The following is an entry in ClinVar:

NM_000093.5(COL5A1):c.1717G>A (p.Val573Met)

Gene: COL5A1 (collagen type V alpha 1 chain; plus strand). Cytogenetic location: 9q34.3.
Variant type: single nucleotide variant.
Coding change: c.1717G>A on transcript NM_000093.5 (MANE Select); coding-DNA position 1717, G replaced by A.
Protein change: p.Val573Met; replaces valine 573 with methionine.
Molecular consequence: missense variant.
Genome position (GRCh38, 1-based): chr9:134,752,643, G>A. VCF-style: chr9-134752643-G-A. GRCh37 (hg19) VCF-style: chr9-137644489-G-A.
Other names: c.1717G>A, p.Val573Met (NM_001278074.1); short protein forms V573M.
Identifiers: ClinVar variation 1022762 (VCV001022762.10), dbSNP rs1304946894, ClinGen allele CA375444353.

ClinVar aggregate classification (germline): Uncertain significance (1 of 4 stars; one submission).

Conditions:
Ehlers-Danlos syndrome, classic type, 1 (EDSCL1). Also called: EHLERS-DANLOS SYNDROME, GRAVIS TYPE; EHLERS-DANLOS SYNDROME, SEVERE CLASSIC TYPE; EDS I; Ehlers-Danlos Syndrome, Classic Type, COL5A1-Related; Ehlers-Danlos syndrome, type 1. Identifiers: MedGen C0268335, MONDO:0019567, OMIM 130000.

Allele frequency attached by ClinVar (database versions not stated): gnomAD exomes 0.00001; gnomAD 0.00001; TOPMed 0.00003.
gnomAD v4.1: 8 of 1,612,262 alleles (0.0005%); highest among the groups gnomAD compares: Admixed American, 0.01%; no homozygotes.

Submission:

Labcorp Genetics (formerly Invitae), Labcorp
Classification: Uncertain significance for Ehlers-Danlos syndrome, classic type, 1. Last evaluated: 2025-11-23. Review status: criteria provided, single submitter. Criteria: Invitae Variant Classification Sherloc (09022015). Collection method: clinical testing. Allele origin: germline.
Comment: This sequence change replaces valine, which is neutral and non-polar, with methionine, which is neutral and non-polar, at codon 573 of the COL5A1 protein (p.Val573Met). This variant is present in population databases (no rsID available, gnomAD 0.006%). This variant has not been reported in the literature in individuals affected with COL5A1-related conditions. ClinVar contains an entry for this variant (Variation ID: 1022762). An algorithm developed to predict the effect of missense changes on protein structure and function outputs the following: PolyPhen-2: "Benign". The methionine amino acid residue is found in multiple mammalian species, which suggests that this missense change does not adversely affect protein function. In summary, the available evidence is currently insufficient to determine the role of this variant in disease. Therefore, it has been classified as a Variant of Uncertain Significance.